The following is an entry in ClinVar:

NM_001005373.4(LRSAM1):c.1619G>T (p.Ser540Ile)

Gene: LRSAM1 (leucine rich repeat and sterile alpha motif containing 1; plus strand). Cytogenetic location: 9q33.3.
Variant type: single nucleotide variant.
Coding change: c.1619G>T on transcript NM_001005373.4 (MANE Select); coding-DNA position 1619, G replaced by T.
Protein change: p.Ser540Ile; replaces serine 540 with isoleucine.
Molecular consequence: missense variant. On other transcripts: non-coding transcript variant (2), intron variant (1).
Genome position (GRCh38, 1-based): chr9:127,495,339, G>T. VCF-style: chr9-127495339-G-T. GRCh37 (hg19) VCF-style: chr9-130257618-G-T.
Other names: c.1619G>T, p.Ser540Ile (NM_001005374.4, NM_001384142.1, NM_138361.5); c.1538G>T, p.Ser513Ile (NM_001190723.3); c.830G>T, p.Ser277Ile (NM_001384144.1); c.1600-625G>T (NM_001384143.1); c.1619G>T (NM_138361.4); short protein forms S540I, S513I, S277I.
Identifiers: ClinVar variation 472793 (VCV000472793.17), dbSNP rs1400819662, ClinGen allele CA374935127.

ClinVar aggregate classification (germline): Uncertain significance. Review status: criteria provided, multiple submitters, no conflicts (2 of 4 stars). 5 submissions from 5 submitters: Uncertain significance (5). Last evaluated 2025-11-26.

Conditions:
Inborn genetic diseases. Identifiers: MedGen C0950123, MeSH D030342.
Charcot-Marie-Tooth disease axonal type 2P. Also called: CHARCOT-MARIE-TOOTH NEUROPATHY, TYPE 2P; CHARCOT-MARIE-TOOTH DISEASE, AXONAL, TYPE 2G; CMT 2G; Charcot-Marie-Tooth Neuropathy Type 2G. Identifiers: Orphanet 300319, Orphanet 99941, MedGen C3280797, MONDO:0013753, OMIM 614436.
Charcot-Marie-Tooth disease. Also called: Charcot-Marie-Tooth Neuropathy; Charcot-Marie-Tooth Hereditary Neuropathy. Identifiers: Orphanet 166, MedGen C0007959, MONDO:0015626.

Allele frequency attached by ClinVar (database versions not stated): gnomAD 0.00001; gnomAD exomes 0.00001; TOPMed 0.00001.
gnomAD v4.1: 17 of 1,613,990 alleles (0.0011%); highest among the groups gnomAD compares: Non-Finnish European, 0.0014%; no homozygotes.

Submissions (5):

Ambry Genetics
Classification: Uncertain significance for Inborn genetic diseases. Last evaluated: 2025-11-26. Review status: criteria provided, single submitter. Criteria: Ambry Variant Classification Scheme 2023. Collection method: clinical testing. Allele origin: germline.

Women's Health and Genetics/Laboratory Corporation of America, LabCorp
Classification: Uncertain significance. Last evaluated: 2025-09-02. Review status: criteria provided, single submitter. Criteria: LabCorp Variant Classification Summary - May 2015. Collection method: clinical testing. Allele origin: germline.
Comment: Variant summary: LRSAM1 c.1619G>T (p.Ser540Ile) results in a non-conservative amino acid change in the encoded protein sequence. Algorithms developed to predict the effect of missense changes on protein structure and function all suggest that this variant is likely to be disruptive. The variant was absent in 251380 control chromosomes (gnomAD). The available data on variant occurrences in the general population are insufficient to allow any conclusion about variant significance. c.1619G>T has been observed in at least one individual affected with Charcot-Marie-Tooth disease (Volodarsky_2020). The report does not provide unequivocal conclusions about association of the variant with Charcot-Marie-Tooth disease axonal type 2P-AR. To our knowledge, no experimental evidence demonstrating an impact on protein function has been reported. The following publication have been ascertained in the context of this evaluation (PMID: 32376792). ClinVar contains an entry for this variant (Variation ID: 472793). Based on the evidence outlined above, the variant was classified as uncertain significance.

Labcorp Genetics (formerly Invitae), Labcorp
Classification: Uncertain significance for Charcot-Marie-Tooth disease axonal type 2P. Last evaluated: 2025-08-11. Review status: criteria provided, single submitter. Criteria: Invitae Variant Classification Sherloc (09022015). Collection method: clinical testing. Allele origin: germline.
Comment: This sequence change replaces serine, which is neutral and polar, with isoleucine, which is neutral and non-polar, at codon 540 of the LRSAM1 protein (p.Ser540Ile). This variant is not present in population databases (gnomAD no frequency). This missense change has been observed in individual(s) with Charcot-Marie-Tooth disease (PMID: 32376792). ClinVar contains an entry for this variant (Variation ID: 472793). Invitae Evidence Modeling of protein sequence and biophysical properties (such as structural, functional, and spatial information, amino acid conservation, physicochemical variation, residue mobility, and thermodynamic stability) indicates that this missense variant is expected to disrupt LRSAM1 protein function with a positive predictive value of 80%. In summary, the available evidence is currently insufficient to determine the role of this variant in disease. Therefore, it has been classified as a Variant of Uncertain Significance.

GeneDx
Classification: Uncertain significance. Last evaluated: 2021-01-22. Review status: criteria provided, single submitter. Criteria: GeneDx Variant Classification Process June 2021. Collection method: clinical testing. Allele origin: germline. Affected: yes.
Comment: Not observed in large population cohorts (Lek et al., 2016); In silico analysis supports that this missense variant has a deleterious effect on protein structure/function; Has not been previously published as pathogenic or benign to our knowledge; This variant is associated with the following publications: (PMID: 32376792)

Molecular Genetics Laboratory, London Health Sciences Centre
Classification: Uncertain significance for Charcot-Marie-Tooth disease. Review status: criteria provided, single submitter. Criteria: ACMG Guidelines, 2015. Collection method: clinical testing. Allele origin: germline. Affected: yes.

Literature cited by the submitters: PubMed 32376792 (cited by Women's Health and Genetics/Laboratory Corporation of America, LabCorp and Labcorp Genetics (formerly Invitae), Labcorp).